The following is an entry in ClinVar:

NM_001375524.1(TRRAP):c.9419C>T (p.Ala3140Val)

Gene: TRRAP (transformation/transcription domain associated protein; plus strand). Cytogenetic location: 7q22.1.
Variant type: single nucleotide variant.
Coding change: c.9419C>T on transcript NM_001375524.1 (MANE Select); coding-DNA position 9419, C replaced by T.
Protein change: p.Ala3140Val; replaces alanine 3140 with valine.
Molecular consequence: missense variant.
Genome position (GRCh38, 1-based): chr7:98,988,794, C>T. VCF-style: chr7-98988794-C-T. GRCh37 (hg19) VCF-style: chr7-98586417-C-T.
Other names: c.9344C>T, p.Ala3115Val (NM_003496.4); c.9431C>T, p.Ala3144Val (NM_001244580.2); short protein forms A3115V, A3140V, A3144V.
Identifiers: ClinVar variation 1213298 (VCV001213298.3), dbSNP rs2116785815, ClinGen allele CA368322292.

ClinVar aggregate classification (germline): Uncertain significance (1 of 4 stars; one submission).

Submission:

GeneDx
Classification: Uncertain significance. Last evaluated: 2019-05-24. Review status: criteria provided, single submitter. Criteria: GeneDx Variant Classification Process June 2021. Collection method: clinical testing. Allele origin: germline. Affected: yes.
Comment: Not observed in large population cohorts (Lek et al., 2016); In silico analysis, which includes protein predictors and evolutionary conservation, supports a deleterious effect; Has not been previously published as pathogenic or benign to our knowledge